The following is an entry in ClinVar:

ClinVar aggregate classification (germline): Uncertain significance. Review status: criteria provided, multiple submitters, no conflicts (2 of 4 stars). 2 submissions from 2 submitters: Uncertain significance (2). Last evaluated 2026-01-05.

Conditions:
Inborn genetic diseases. Identifiers: MedGen C0950123, MeSH D030342.
Mitochondrial hypertrophic cardiomyopathy with lactic acidosis due to MTO1 deficiency. Also called: CARDIOMYOPATHY, INFANTILE HYPERTROPHIC MITOCHONDRIAL, AND LACTIC ACIDOSIS; Combined oxidative phosphorylation deficiency 10. Identifiers: Orphanet 314637, MedGen C4749921, MONDO:0013865, OMIM 614702.

Allele frequency attached by ClinVar (database versions not stated): gnomAD exomes 0.00001 and 0.00002; TOPMed 0.00002; gnomAD 0.00003 and 0.00004.
gnomAD v4.1: 26 of 1,613,680 alleles (0.0016%); highest among the groups gnomAD compares: African/African-American, 0.0067%; no homozygotes.

Submissions (2):

Labcorp Genetics (formerly Invitae), Labcorp
Classification: Uncertain significance for Mitochondrial hypertrophic cardiomyopathy with lactic acidosis due to MTO1 deficiency. Last evaluated: 2026-01-05. Review status: criteria provided, single submitter. Criteria: Invitae Variant Classification Sherloc (09022015). Collection method: clinical testing. Allele origin: germline.
Comment: This sequence change replaces arginine, which is basic and polar, with histidine, which is basic and polar, at codon 388 of the MTO1 protein (p.Arg388His). This variant is present in population databases (no rsID available, gnomAD 0.008%). This variant has not been reported in the literature in individuals affected with MTO1-related conditions. ClinVar contains an entry for this variant (Variation ID: 1477143). Invitae Evidence Modeling of protein sequence and biophysical properties (such as structural, functional, and spatial information, amino acid conservation, physicochemical variation, residue mobility, and thermodynamic stability) has been performed for this missense variant. However, the output from this modeling did not meet the statistical confidence thresholds required to predict the impact of this variant on MTO1 protein function. In summary, the available evidence is currently insufficient to determine the role of this variant in disease. Therefore, it has been classified as a Variant of Uncertain Significance.

Ambry Genetics
Classification: Uncertain significance for Inborn genetic diseases. Last evaluated: 2025-10-02. Review status: criteria provided, single submitter. Criteria: Ambry Variant Classification Scheme 2023. Collection method: clinical testing. Allele origin: germline.

NM_012123.4(MTO1):c.1163G>A (p.Arg388His)

Gene: MTO1 (mitochondrial tRNA translation optimization 1; plus strand). Cytogenetic location: 6q13.
Variant type: single nucleotide variant.
Coding change: c.1163G>A on transcript NM_012123.4 (MANE Select); coding-DNA position 1163, G replaced by A.
Protein change: p.Arg388His; replaces arginine 388 with histidine.
Molecular consequence: missense variant.
Genome position (GRCh38, 1-based): chr6:73,480,708, G>A. VCF-style: chr6-73480708-G-A. GRCh37 (hg19) VCF-style: chr6-74190431-G-A.
Other names: c.1163G>A, p.Arg388His (NM_001123226.2); c.1238G>A, p.Arg413His (NM_133645.3); c.1163G>A (NM_001123226.1); short protein forms R388H, R413H.
Identifiers: ClinVar variation 1477143 (VCV001477143.5), dbSNP rs947813456, ClinGen allele CA140961856.